The following is an entry in ClinVar:

NM_014336.5(AIPL1):c.631C>G (p.Leu211Val)

Gene: AIPL1 (AIP like 1 HSP90 co-chaperone; minus strand). Cytogenetic location: 17p13.2.
Variant type: single nucleotide variant.
Coding change: c.631C>G on transcript NM_014336.5 (MANE Select); coding-DNA position 631, C replaced by G.
Protein change: p.Leu211Val; replaces leucine 211 with valine.
Molecular consequence: missense variant.
Genome position (GRCh38, 1-based): chr17:6,426,892, G>C on the plus strand (C>G on the coding strand, the complement: AIPL1 is on the minus strand). VCF-style: chr17-6426892-G-C. GRCh37 (hg19) VCF-style: chr17-6330212-G-C.
Other names: c.442C>G, p.Leu148Val (NM_001033054.3); c.451C>G, p.Leu151Val (NM_001033055.3); c.595C>G, p.Leu199Val (NM_001285399.3); c.565C>G, p.Leu189Val (NM_001285400.3); c.631C>G, p.Leu211Val (NM_001285401.3); c.514C>G, p.Leu172Val (NM_001285402.2); c.607C>G, p.Leu203Val (NM_001285403.4); short protein forms L148V, L151V, L203V, L189V, L199V, L211V, L172V.
Identifiers: ClinVar variation 853323 (VCV000853323.9), dbSNP rs748859830, ClinGen allele CA8328454.

ClinVar aggregate classification (germline): Uncertain significance. Review status: criteria provided, multiple submitters, no conflicts (2 of 4 stars). 3 submissions from 3 submitters: Uncertain significance (3). Last evaluated 2024-10-26.

Conditions:
Leber congenital amaurosis 4 (LCA4). Identifiers: MedGen C1858386, MONDO:0011458, OMIM 604393.
AIPL1-related disorder. Also called: AIPL1-related condition; AIPL1-related disorders. Identifiers: MedGen CN239169.

Allele frequency attached by ClinVar (database versions not stated): gnomAD 0.00001; TOPMed 0.00001; ExAC 0.00002; gnomAD exomes 0.00002.

Submissions (3):

PreventionGenetics, part of Exact Sciences
Classification: Uncertain significance for AIPL1-related condition. Last evaluated: 2024-10-26. Review status: criteria provided, single submitter. Criteria: ACMG Guidelines, 2015. Collection method: clinical testing. Allele origin: germline.
Comment: The AIPL1 c.631C>G variant is predicted to result in the amino acid substitution p.Leu211Val. To our knowledge, this variant has not been reported in the literature. This variant is present in 0.0044% of alleles in individuals of European (Non-Finnish) descent in gnomAD. At this time, the clinical significance of this variant is uncertain due to the absence of conclusive functional and genetic evidence.

Blueprint Genetics
Classification: Uncertain significance. Last evaluated: 2024-02-27. Review status: criteria provided, single submitter. Criteria: ACMG Guidelines, 2015. Collection method: clinical testing. Allele origin: germline.

Labcorp Genetics (formerly Invitae), Labcorp
Classification: Uncertain significance for Leber congenital amaurosis 4. Last evaluated: 2022-03-01. Review status: criteria provided, single submitter. Criteria: Invitae Variant Classification Sherloc (09022015). Collection method: clinical testing. Allele origin: germline.
Comment: This sequence change replaces leucine, which is neutral and non-polar, with valine, which is neutral and non-polar, at codon 211 of the AIPL1 protein (p.Leu211Val). This variant is present in population databases (rs748859830, gnomAD 0.004%). This variant has not been reported in the literature in individuals affected with AIPL1-related conditions. ClinVar contains an entry for this variant (Variation ID: 853323). Algorithms developed to predict the effect of missense changes on protein structure and function (SIFT, PolyPhen-2, Align-GVGD) all suggest that this variant is likely to be tolerated. In summary, the available evidence is currently insufficient to determine the role of this variant in disease. Therefore, it has been classified as a Variant of Uncertain Significance.